The following is an entry in ClinVar:

NC_000021.9:g.(?_43772665)_(43777375_?)dup

Gene: CSTB (cystatin B; minus strand). Cytogenetic location: 21q22.3.
Variant type: Duplication.
Identifiers: ClinVar variation 832805 (VCV000832805.3).

ClinVar aggregate classification (germline): Uncertain significance (1 of 4 stars; one submission).

Conditions:
Progressive myoclonic epilepsy. Also called: Familial progressive myoclonic epilepsy; Myoclonus epilepsy; Progressive myoclonus epilepsy; Myoclonic Epilepsies, Progressive. Identifiers: Orphanet 308, Orphanet 98261, MedGen C0751778, MONDO:0020074.

Submission:

Labcorp Genetics (formerly Invitae), Labcorp
Classification: Uncertain significance for Progressive myoclonic epilepsy. Last evaluated: 2019-11-26. Review status: criteria provided, single submitter. Criteria: Invitae Variant Classification Sherloc (09022015). Collection method: clinical testing. Allele origin: germline.
Comment: This variant results in a copy number gain of the genomic region encompassing the full coding sequence of the CSTB gene. The boundaries of this event are unknown as they extend beyond the assayed region for this gene and therefore may encompass additional genes. As the precise location of this event is unknown, it may be in tandem or it may be located elsewhere in the genome. This variant has not been reported in the literature in individuals with CSTB-related conditions. In summary, the available evidence is currently insufficient to determine the role of this variant in disease. Therefore, it has been classified as a Variant of Uncertain Significance.